The following is an entry in ClinVar:

ClinVar aggregate classification (germline): Uncertain significance (1 of 4 stars; one submission).

Conditions:
Autosomal recessive limb-girdle muscular dystrophy type 2O. Also called: Limb-Girdle Muscular Dystrophy Type 3C; MUSCULAR DYSTROPHY-DYSTROGLYCANOPATHY (LIMB-GIRDLE), TYPE C, 3; MUSCULAR DYSTROPHY-DYSTROGLYCANOPATHY, LIMB-GIRDLE, POMGNT1-RELATED. Identifiers: Orphanet 206564, MedGen C3150417, MONDO:0013161, OMIM 613157.
Muscular dystrophy-dystroglycanopathy (congenital with impaired intellectual development), type B, 3. Also called: MUSCULAR DYSTROPHY, CONGENITAL, POMGNT1-RELATED; Muscular dystrophy-dystroglycanopathy (congenital with intellectual disability), type B3. Identifiers: MedGen C3150412, MONDO:0013155, OMIM 613151.

gnomAD v4.1: 1 of 1,599,828 alleles (0.000063%); highest among the groups gnomAD compares: Non-Finnish European, 0.000086%; no homozygotes.

Submission:

Labcorp Genetics (formerly Invitae), Labcorp
Classification: Uncertain significance for Autosomal recessive limb-girdle muscular dystrophy type 2O; Muscular dystrophy-dystroglycanopathy (congenital with impaired intellectual development), type B, 3. Last evaluated: 2022-06-20. Review status: criteria provided, single submitter. Criteria: Invitae Variant Classification Sherloc (09022015). Collection method: clinical testing. Allele origin: germline.
Comment: In summary, the available evidence is currently insufficient to determine the role of this variant in disease. Therefore, it has been classified as a Variant of Uncertain Significance. Algorithms developed to predict the effect of sequence changes on RNA splicing suggest that this variant may disrupt the consensus splice site. This variant has not been reported in the literature in individuals affected with POMGNT1-related conditions. This variant is not present in population databases (gnomAD no frequency). This sequence change falls in intron 18 of the POMGNT1 gene. It does not directly change the encoded amino acid sequence of the POMGNT1 protein.

NM_017739.4(POMGNT1):c.1605-15C>T

Genes: POMGNT1 (protein O-linked mannose N-acetylglucosaminyltransferase 1 (beta 1,2-); minus strand), TSPAN1 (tetraspanin 1; plus strand). Cytogenetic location: 1p34.1.
Variant type: single nucleotide variant.
Coding change: c.1605-15C>T on transcript NM_017739.4 (MANE Select); 15 bases into the intron before coding-DNA position 1605, C replaced by T.
Molecular consequence: intron variant.
Genome position (GRCh38, 1-based): chr1:46,190,532, G>A on the plus strand (C>T on the coding strand, the complement: POMGNT1 is on the minus strand). VCF-style: chr1-46190532-G-A. GRCh37 (hg19) VCF-style: chr1-46656204-G-A.
Other names: c.1605-15C>T (NM_001243766.2, NM_001438686.1, NM_001438688.1 and 3 more transcripts); c.1539-15C>T (NM_001290129.3, NM_001438691.1, NM_001438692.1); c.1176-15C>T (NM_001290130.2).
Identifiers: ClinVar variation 1977197 (VCV001977197.5), dbSNP rs2525356156, ClinGen allele CA2580062923.